The following is an entry in ClinVar:

ClinVar aggregate classification (germline): Benign (1 of 4 stars; one submission).

Conditions:
Hereditary spastic paraplegia 4. Also called: Spastic paraplegia 4, autosomal dominant; Spastic Paraplegia 4; Familial spastic paraplegia autosomal dominant 2. Identifiers: Orphanet 100985, MedGen C1866855, MONDO:0008438, OMIM 182601.

Allele frequency attached by ClinVar (database versions not stated): 1000 Genomes Project 0.00978; 1000 Genomes Project 30x 0.01031; gnomAD 0.02005 and 0.02100; TOPMed 0.02040.

Submission:

Illumina Laboratory Services, Illumina
Classification: Benign for Hereditary spastic paraplegia 4. Last evaluated: 2018-01-13. Review status: criteria provided, single submitter. Criteria: ICSL Variant Classification Criteria 13 December 2019. Collection method: clinical testing. Allele origin: germline.
Comment: This variant was observed in the ICSL laboratory as part of a predisposition screen in an ostensibly healthy population. It had not been previously curated by ICSL or reported in the Human Gene Mutation Database (HGMD: prior to June 1st, 2018), and was therefore a candidate for classification through an automated scoring system. Utilizing variant allele frequency, disease prevalence and penetrance estimates, and inheritance mode, an automated score was calculated to assess if this variant is too frequent to cause the disease. Based on the score and internal cut-off values, a variant classified as benign is not then subjected to further curation. The score for this variant resulted in a classification of benign for this disease.

NM_014946.4(SPAST):c.*2399C>T

Gene: SPAST (spastin; plus strand). Cytogenetic location: 2p22.3.
Variant type: single nucleotide variant.
Coding change: c.*2399C>T on transcript NM_014946.4 (MANE Select); 2399 bases downstream of the stop codon, C replaced by T.
Molecular consequence: 3 prime UTR variant.
Genome position (GRCh38, 1-based): chr2:32,156,895, C>T. VCF-style: chr2-32156895-C-T. GRCh37 (hg19) VCF-style: chr2-32381964-C-T.
Other names: c.*2399C>T (NM_001363823.2, NM_001363875.2, NM_199436.2); c.*2523C>T (NM_001377959.1).
Identifiers: ClinVar variation 335881 (VCV000335881.5), dbSNP rs72796869, ClinGen allele CA10613741.
Genomic context (GRCh38, chr2:32,156,895, plus strand): 5'-CTATCTTAAACACTGAGTCAGAAAATCATTACTGTATAGAAGTTGCTTTCCTGATCAAGT[C>T]TGAACTTCAGCTAGTGCTAGAGAACTATTTTCTATGACTTAACTCTAACCAAGTTTTATT-3'